The following is an entry in ClinVar:

ClinVar aggregate classification (germline): Uncertain significance. Review status: criteria provided, single submitter (1 of 4 stars). 2 submissions from 2 submitters: Uncertain significance (1). 1 of the submissions does not count toward it. Last evaluated 2022-07-19.

Conditions:
Neuronal ceroid lipofuscinosis. Also called: Neuronal Ceroid Lipofuscinoses. Identifiers: Orphanet 216, Orphanet 79263, MedGen C0027877, MONDO:0016295. Disease mechanism: loss of function.
Neuronal ceroid lipofuscinosis 8 (CLN8). Also called: CLN8-Related Neuronal Ceroid-Lipofuscinosis. Identifiers: Orphanet 168491, Orphanet 228354, Orphanet 79264, MedGen C1838570, MONDO:0010830, OMIM 600143.

Submissions (2):

Labcorp Genetics (formerly Invitae), Labcorp
Classification: Uncertain significance for Neuronal ceroid lipofuscinosis. Last evaluated: 2022-07-19. Review status: criteria provided, single submitter. Criteria: Invitae Variant Classification Sherloc (09022015). Collection method: clinical testing. Allele origin: germline.
Comment: This sequence change replaces isoleucine, which is neutral and non-polar, with valine, which is neutral and non-polar, at codon 13 of the CLN8 protein (p.Ile13Val). This variant is not present in population databases (gnomAD no frequency). This variant has not been reported in the literature in individuals affected with CLN8-related conditions. ClinVar contains an entry for this variant (Variation ID: 991257). Advanced modeling of protein sequence and biophysical properties (such as structural, functional, and spatial information, amino acid conservation, physicochemical variation, residue mobility, and thermodynamic stability) performed at Invitae indicates that this missense variant is not expected to disrupt CLN8 protein function. In summary, the available evidence is currently insufficient to determine the role of this variant in disease. Therefore, it has been classified as a Variant of Uncertain Significance.

Natera, Inc.
Classification: Uncertain significance for Neuronal ceroid lipofuscinosis 8. Last evaluated: 2020-08-21. Review status: no assertion criteria provided. Collection method: clinical testing. Allele origin: germline. Not counted in ClinVar's aggregate classification.

NM_018941.4(CLN8):c.37A>G (p.Ile13Val)

Gene: CLN8 (CLN8 transmembrane ER and ERGIC protein; plus strand). Cytogenetic location: 8p23.3.
Variant type: single nucleotide variant.
Coding change: c.37A>G on transcript NM_018941.4 (MANE Select); coding-DNA position 37, A replaced by G.
Protein change: p.Ile13Val; replaces isoleucine 13 with valine.
Molecular consequence: missense variant.
Genome position (GRCh38, 1-based): chr8:1,771,091, A>G. VCF-style: chr8-1771091-A-G. GRCh37 (hg19) VCF-style: chr8-1719257-A-G.
Other names: short protein forms I13V.
Identifiers: ClinVar variation 991257 (VCV000991257.4), dbSNP rs1563107126, ClinGen allele CA369952753.